The following is an entry in ClinVar:

NM_002055.5(GFAP):c.1030C>G (p.Arg344Gly)

Gene: GFAP (glial fibrillary acidic protein; minus strand). Cytogenetic location: 17q21.31.
Variant type: single nucleotide variant.
Coding change: c.1030C>G on transcript NM_002055.5 (MANE Select); coding-DNA position 1030, C replaced by G.
Protein change: p.Arg344Gly; replaces arginine 344 with glycine.
Molecular consequence: missense variant.
Genome position (GRCh38, 1-based): chr17:44,911,333, G>C on the plus strand (C>G on the coding strand, the complement: GFAP is on the minus strand). VCF-style: chr17-44911333-G-C. GRCh37 (hg19) VCF-style: chr17-42988701-G-C.
Other names: c.1030C>G, p.Arg344Gly (NM_001131019.3, NM_001242376.3, NM_001363846.2); short protein forms R344G.
Identifiers: ClinVar variation 1805176 (VCV001805176.1), dbSNP rs1295139112, ClinGen allele CA399843882.
Genomic context (GRCh38, chr17:44,911,333, plus strand): 5'-CGATCTCGATGTCCAGGGCCAGCTTGACATTGAGCAGGTCCTGGTACTCCTGCAAGTGGC[G>C]GGCCATCTCGTCCTTGAGGCTCTGCCCCTCTTCCTCCAGCCGCGCCAGCGCCTCCTGATA-3'
Protein context (NP_002046.1, residues 334-354): EGQSLKDEMA[Arg344Gly]HLQEYQDLLN

ClinVar aggregate classification (germline): Uncertain significance (1 of 4 stars; one submission).

Conditions:
Alexander disease (ALXDRD). Also called: Alexander's disease. Identifiers: Orphanet 58, MedGen C0270726, MONDO:0008752, OMIM 203450.

gnomAD v4.1: 9 of 1,614,178 alleles (0.00056%); highest among the groups gnomAD compares: Non-Finnish European, 0.00068%; no homozygotes.

Submission:

Victorian Clinical Genetics Services, Murdoch Childrens Research Institute
Classification: Uncertain significance for Alexander disease. Last evaluated: 2022-02-02. Review status: criteria provided, single submitter. Criteria: ACMG Guidelines, 2015. Collection method: clinical testing. Allele origin: germline. Inheritance: Autosomal dominant inheritance. Affected: yes.
Comment: Based on the classification scheme VCGS_Germline_v1.3.4, this variant is classified as VUS-3B. Following criteria are met: 0101 - Gain of function is a known mechanism of disease in this gene and is associated with Alexander disease (MIM#203450). (I) 0107 - This gene is associated with autosomal dominant disease. (I) 0115 - Variants in this gene are known to have variable expressivity (GeneReviews). (I) 0200 - Variant is predicted to result in a missense amino acid change from arginine to glycine. (I) 0251 - This variant is heterozygous. (I) 0301 - Variant is absent from gnomAD (both v2 and v3). (SP) 0309 - An alternative amino acid change at the same position has been observed in gnomAD (v2: 1 heterozygote, 0 homoyzgotes). (I) 0501 - Missense variant consistently predicted to be damaging by multiple in silico tools or highly conserved with a major amino acid change. (SP) 0600 - Variant is located in the annotated intermediate filament protein domain (DECIPHER). (I) 0705 - No comparable missense variants have previous evidence for pathogenicity. (I) 0807 - This variant has no previous evidence of pathogenicity. (I) 0905 - No published segregation evidence has been identified for this variant. (I) 1007 - No published functional evidence has been identified for this variant. (I) 1208 - Inheritance information for this variant is not currently available in this individual. (I) Legend: (SP) - Supporting pathogenic, (I) - Information, (SB) - Supporting benign